The following is an entry in ClinVar:

ClinVar aggregate classification (germline): Pathogenic (1 of 4 stars; one submission).

Conditions:
Neurodevelopmental disorder with microcephaly, seizures, and cortical atrophy. Identifiers: MedGen C4540493, MONDO:0060621, OMIM 617802.

Submission:

Victorian Clinical Genetics Services, Murdoch Childrens Research Institute
Classification: Pathogenic for Neurodevelopmental disorder with microcephaly, seizures, and cortical atrophy. Last evaluated: 2023-07-17. Review status: criteria provided, single submitter. Criteria: ACMG Guidelines, 2015. Collection method: clinical testing. Allele origin: germline. Inheritance: Autosomal recessive inheritance. Affected: yes.
Comment: Based on the classification scheme VCGS_Germline_v1.3.4, this variant is classified as Pathogenic. Following criteria are met: 0102 - Loss of function is a known mechanism of disease in this gene and is associated with neurodevelopmental disorder with microcephaly, seizures, and cortical atrophy (MIM#617802). (I) 0106 - This gene is associated with autosomal recessive disease. (I) 0115 - Variants in this gene are known to have variable expressivity (PMIDs: 30755616, 30755602). (I) 0201 - Variant is predicted to cause nonsense-mediated decay (NMD) and loss of protein (premature termination codon is located at least 54 nucleotides upstream of the final exon-exon junction). (SP) 0251 - This variant is heterozygous. (I) 0304 - Variant is present in gnomAD (v2) <0.01 for a recessive condition (1 heterozygote, 0 homozygotes). (SP) 0702 - Other NMD-predicted variants comparable to the one identified in this case have strong previous evidence for pathogenicity. These variants have been classified as pathgogenic by clinical laboratories in ClinVar or observed in individuals with neurodevelopmental disorders in the literature (PMIDs: 30755616, 30755602, 29691655). (SP) 0807 - This variant has no previous evidence of pathogenicity. (I) 0905 - No published segregation evidence has been identified for this variant. (I) 1007 - No published functional evidence has been identified for this variant. (I) Legend: (SP) - Supporting pathogenic, (I) - Information, (SB) - Supporting benign

Literature cited by the submitters: PubMed 29691655; PubMed 30755602; PubMed 30755616.

NM_006295.3(VARS1):c.1603del (p.Thr535fs)

Gene: VARS1 (valyl-tRNA synthetase 1; minus strand). Cytogenetic location: 6p21.33.
Variant type: Deletion.
Coding change: c.1603del on transcript NM_006295.3 (MANE Select); coding-DNA position 1603, one base deleted (A; older notation c.1603delA).
Protein change: p.Thr535fs; shifts the reading frame from threonine 535.
Molecular consequence: frameshift variant.
Genome position (GRCh38, 1-based): chr6:31,784,282, T deleted on the plus strand (A on the coding strand, the reverse complement: VARS1 is on the minus strand); the first of 2 consecutive T bases (chr6:31,784,282-31,784,283); deleting either gives the same sequence. VCF-style (leftmost placement, unchanged base first): chr6-31784281-GT-G. GRCh37 (hg19) VCF-style: chr6-31752058-GT-G.
Other names: short protein forms T535fs.
Identifiers: ClinVar variation 3376811 (VCV003376811.1).
Genomic context (GRCh38, chr6:31,784,281, plus strand): 5'-CTGGTATCTTTGGGGTGCACAGCTACAGCCACATCTCCCAGCATTGTCTCGATCCGAGTT[GT>G]TGCCACCACCACCTCCTCGTCGCTATCTGGGGTGACAGAAGGCCTTGTGGTCTTGGCCTT-3'